The following is an entry in ClinVar:

NM_012470.4(TNPO3):c.1859+3A>G

Gene: TNPO3 (transportin 3; minus strand). Cytogenetic location: 7q32.1.
Variant type: single nucleotide variant.
Coding change: c.1859+3A>G on transcript NM_012470.4 (MANE Select); 3 bases into the intron after coding-DNA position 1859, A replaced by G.
Molecular consequence: intron variant.
Genome position (GRCh38, 1-based): chr7:128,982,245, T>C on the plus strand (A>G on the coding strand, the complement: TNPO3 is on the minus strand). VCF-style: chr7-128982245-T-C. GRCh37 (hg19) VCF-style: chr7-128622299-T-C.
Other names: c.1715+3A>G (NM_001382221.1); c.1712+3A>G (NM_001382222.1); c.1751+3A>G (NM_001382219.1); c.1667+3A>G (NM_001382223.1, NM_001191028.3); c.1859+3A>G (NM_001382220.1, NM_001382218.1); c.1961+3A>G (NM_001382216.1); c.1940+3A>G (NM_001382217.1).
Identifiers: ClinVar variation 3729951 (VCV003729951.2).

ClinVar aggregate classification (germline): Uncertain significance (1 of 4 stars; one submission).

Conditions:
Autosomal dominant limb-girdle muscular dystrophy type 1F (LGMDD2). Also called: Limb-girdle muscular dystrophy, type 1F; MUSCULAR DYSTROPHY, LIMB-GIRDLE, AUTOSOMAL DOMINANT 2. Identifiers: Orphanet 55595, MedGen C1842062, MONDO:0012034, OMIM 608423.

Submission:

Labcorp Genetics (formerly Invitae), Labcorp
Classification: Uncertain significance for Autosomal dominant limb-girdle muscular dystrophy type 1F. Last evaluated: 2025-02-03. Review status: criteria provided, single submitter. Criteria: Invitae Variant Classification Sherloc (09022015). Collection method: clinical testing. Allele origin: germline.
Comment: This sequence change falls in intron 14 of the TNPO3 gene. It does not directly change the encoded amino acid sequence of the TNPO3 protein. It affects a nucleotide within the consensus splice site. This variant is not present in population databases (gnomAD no frequency). This variant has not been reported in the literature in individuals affected with TNPO3-related conditions. Variants that disrupt the consensus splice site are a relatively common cause of aberrant splicing (PMID: 17576681, 9536098). Algorithms developed to predict the effect of sequence changes on RNA splicing suggest that this variant is not likely to affect RNA splicing. In summary, the available evidence is currently insufficient to determine the role of this variant in disease. Therefore, it has been classified as a Variant of Uncertain Significance.

Literature cited by the submitters: PubMed 17576681; PubMed 9536098.